The following is an entry in ClinVar:

ClinVar aggregate classification (germline): Uncertain significance (1 of 4 stars; one submission).

Submission:

Labcorp Genetics (formerly Invitae), Labcorp
Classification: Uncertain significance. Last evaluated: 2024-01-17. Review status: criteria provided, single submitter. Criteria: Invitae Variant Classification Sherloc (09022015). Collection method: clinical testing. Allele origin: germline.
Comment: This sequence change replaces lysine, which is basic and polar, with threonine, which is neutral and polar, at codon 480 of the MBD4 protein (p.Lys480Thr). This variant is not present in population databases (gnomAD no frequency). This variant has not been reported in the literature in individuals affected with MBD4-related conditions. An algorithm developed to predict the effect of missense changes on protein structure and function (PolyPhen-2) suggests that this variant is likely to be disruptive. In summary, the available evidence is currently insufficient to determine the role of this variant in disease. Therefore, it has been classified as a Variant of Uncertain Significance.

NM_001276270.2(MBD4):c.1421A>C (p.Lys474Thr)

Gene: MBD4 (methyl-CpG binding domain 4, DNA glycosylase; minus strand). Cytogenetic location: 3q21.3.
Variant type: single nucleotide variant.
Coding change: c.1421A>C on transcript NM_001276270.2 (MANE Select); coding-DNA position 1421, A replaced by C.
Protein change: p.Lys474Thr; replaces lysine 474 with threonine.
Molecular consequence: missense variant.
Genome position (GRCh38, 1-based): chr3:129,433,220, T>G on the plus strand (A>C on the coding strand, the complement: MBD4 is on the minus strand). VCF-style: chr3-129433220-T-G. GRCh37 (hg19) VCF-style: chr3-129152063-T-G.
Other names: c.1439A>C, p.Lys480Thr (NM_001276271.2, NM_001276272.2, NM_003925.3); c.485A>C, p.Lys162Thr (NM_001276273.2); short protein forms K474T, K480T, K162T.
Identifiers: ClinVar variation 2709769 (VCV002709769.3), dbSNP rs2107750184, ClinGen allele CA354465409.